The following is an entry in ClinVar:

NM_000338.3(SLC12A1):c.2905A>C (p.Lys969Gln)

Gene: SLC12A1 (solute carrier family 12 member 1; plus strand). Cytogenetic location: 15q21.1.
Variant type: single nucleotide variant.
Coding change: c.2905A>C on transcript NM_000338.3 (MANE Select); coding-DNA position 2905, A replaced by C.
Protein change: p.Lys969Gln; replaces lysine 969 with glutamine.
Molecular consequence: missense variant.
Genome position (GRCh38, 1-based): chr15:48,291,809, A>C. VCF-style: chr15-48291809-A-C. GRCh37 (hg19) VCF-style: chr15-48584006-A-C.
Other names: c.2905A>C, p.Lys969Gln (NM_001184832.2, NM_001384136.1); short protein forms K969Q.
Identifiers: ClinVar variation 2052615 (VCV002052615.4), dbSNP rs1178013200, ClinGen allele CA392319566.

ClinVar aggregate classification (germline): Uncertain significance (1 of 4 stars; one submission).

Allele frequency attached by ClinVar (database versions not stated): gnomAD exomes below 0.00001.
gnomAD v4.1: 3 of 1,569,680 alleles (0.00019%); highest among the groups gnomAD compares: African/African-American, 0.0027%; no homozygotes.

Submission:

Labcorp Genetics (formerly Invitae), Labcorp
Classification: Uncertain significance. Last evaluated: 2023-08-04. Review status: criteria provided, single submitter. Criteria: Invitae Variant Classification Sherloc (09022015). Collection method: clinical testing. Allele origin: germline.
Comment: This sequence change replaces lysine, which is basic and polar, with glutamine, which is neutral and polar, at codon 969 of the SLC12A1 protein (p.Lys969Gln). This variant is present in population databases (no rsID available, gnomAD 0.004%). This variant has not been reported in the literature in individuals affected with SLC12A1-related conditions. ClinVar contains an entry for this variant (Variation ID: 2052615). Advanced modeling of protein sequence and biophysical properties (such as structural, functional, and spatial information, amino acid conservation, physicochemical variation, residue mobility, and thermodynamic stability) performed at Invitae indicates that this missense variant is not expected to disrupt SLC12A1 protein function. In summary, the available evidence is currently insufficient to determine the role of this variant in disease. Therefore, it has been classified as a Variant of Uncertain Significance.